The following is an entry in ClinVar:

NM_002161.6(IARS1):c.2915T>C (p.Leu972Pro)

Gene: IARS1 (isoleucyl-tRNA synthetase 1; minus strand). Cytogenetic location: 9q22.31.
Variant type: single nucleotide variant.
Coding change: c.2915T>C on transcript NM_002161.6 (MANE Select); coding-DNA position 2915, T replaced by C.
Protein change: p.Leu972Pro; replaces leucine 972 with proline.
Molecular consequence: missense variant. On other transcripts: non-coding transcript variant (1).
Genome position (GRCh38, 1-based): chr9:92,243,301, A>G on the plus strand (T>C on the coding strand, the complement: IARS1 is on the minus strand). VCF-style: chr9-92243301-A-G. GRCh37 (hg19) VCF-style: chr9-95005583-A-G.
Other names: c.2792T>C, p.Leu931Pro (NM_001378583.1); c.2840T>C, p.Leu947Pro (NM_001378584.1, NM_001374299.1, NM_001374300.1); c.2915T>C, p.Leu972Pro (NM_001378585.1, NM_001378586.1, NM_013417.4 and 9 more transcripts); c.2819T>C, p.Leu940Pro (NM_001378582.1); c.2831T>C, p.Leu944Pro (NM_001374301.1); c.2978T>C, p.Leu993Pro (NM_001378569.1); c.2936T>C, p.Leu979Pro (NM_001378571.1); short protein forms L931P, L947P, L979P, L944P, L972P, L993P, L940P.
Identifiers: ClinVar variation 5007472 (VCV005007472.2).

ClinVar aggregate classification (germline): Uncertain significance (1 of 4 stars; one submission).

Conditions:
Growth retardation, intellectual developmental disorder, hypotonia, and hepatopathy (GRIDHH). Also called: GROWTH RETARDATION, IMPAIRED INTELLECTUAL DEVELOPMENT, HYPOTONIA, AND HEPATOPATHY. Identifiers: Orphanet 541423, MedGen C4310720, MONDO:0014911, OMIM 617093.

Submission:

Juno Genomics, Hangzhou Juno Genomics, Inc
Classification: Uncertain significance for Growth retardation, intellectual developmental disorder, hypotonia, and hepatopathy. Review status: criteria provided, single submitter. Criteria: ACMG Guidelines, 2015. Collection method: clinical testing. Allele origin: germline.
Comment: Absent from controls (or at extremely low frequency if recessive) in Genome Aggregation Database.;Multiple lines of computational evidence support a deleterious effect on the gene or gene product.